The following is an entry in ClinVar:

NM_031307.4(PUS3):c.1112C>G (p.Thr371Ser)

Genes: HYLS1 (HYLS1 centriolar and ciliogenesis associated; plus strand), PUS3 (pseudouridine synthase 3; minus strand). Cytogenetic location: 11q24.2.
Variant type: single nucleotide variant.
Coding change: c.1112C>G on transcript NM_031307.4 (MANE Select); coding-DNA position 1112, C replaced by G.
Protein change: p.Thr371Ser; replaces threonine 371 with serine.
Molecular consequence: missense variant. On other transcripts: intron variant (5).
Genome position (GRCh38, 1-based): chr11:125,894,119, G>C on the plus strand (C>G on the coding strand, the complement: PUS3 is on the minus strand). VCF-style: chr11-125894119-G-C. GRCh37 (hg19) VCF-style: chr11-125764014-G-C.
Other names: c.488C>G, p.Thr163Ser (NM_001271985.2); c.-81+2647G>C (NM_145014.3); c.-26+2647G>C (NM_001134793.2); c.-23+2647G>C (NM_001424364.1); c.-25-5225G>C (NM_001377269.1); c.-22-5228G>C (NM_001377270.1); c.1112C>G (NM_031307.3); short protein forms T163S, T371S.
Identifiers: ClinVar variation 1448260 (VCV001448260.10), dbSNP rs139252433, ClinGen allele CA6350384.

ClinVar aggregate classification (germline): Conflicting classifications of pathogenicity. Review status: criteria provided, conflicting classifications (1 of 4 stars). 3 submissions from 3 submitters: Uncertain significance (2); Likely benign (1). Last evaluated 2025-03-03.

Conditions:
Inborn genetic diseases. Identifiers: MedGen C0950123, MeSH D030342.

Allele frequency attached by ClinVar (database versions not stated): gnomAD exomes 0.00002 and 0.00008; ExAC 0.00010; 1000 Genomes Project 30x 0.00016; 1000 Genomes Project 0.00020; gnomAD 0.00027 and 0.00030; TOPMed 0.00031; ESP Exome Variant Server 0.00046.
gnomAD v4.1: 80 of 1,614,026 alleles (0.005%); highest among the groups gnomAD compares: African/African-American, 0.097%; no homozygotes.

Submissions (3):

Ambry Genetics
Classification: Likely benign for Inborn genetic diseases. Last evaluated: 2025-03-03. Review status: criteria provided, single submitter. Criteria: Ambry Variant Classification Scheme 2023. Collection method: clinical testing. Allele origin: germline.

Labcorp Genetics (formerly Invitae), Labcorp
Classification: Uncertain significance. Last evaluated: 2021-12-02. Review status: criteria provided, single submitter. Criteria: Invitae Variant Classification Sherloc (09022015). Collection method: clinical testing. Allele origin: germline.
Comment: In summary, the available evidence is currently insufficient to determine the role of this variant in disease. Therefore, it has been classified as a Variant of Uncertain Significance. This sequence change replaces threonine, which is neutral and polar, with serine, which is neutral and polar, at codon 371 of the PUS3 protein (p.Thr371Ser). This variant is present in population databases (rs139252433, gnomAD 0.1%). This variant has not been reported in the literature in individuals affected with PUS3-related conditions. Algorithms developed to predict the effect of missense changes on protein structure and function output the following: SIFT: "Tolerated"; PolyPhen-2: "Benign"; Align-GVGD: "Class C0". The serine amino acid residue is found in multiple mammalian species, which suggests that this missense change does not adversely affect protein function.

Breakthrough Genomics
Classification: Uncertain significance. Review status: criteria provided, single submitter. Criteria: ACMG Guidelines, 2015. Collection method: not provided. Allele origin: germline. Inheritance: Autosomal recessive inheritance. Affected: yes.